The following is an entry in ClinVar:

NM_201596.3(CACNB2):c.630C>G (p.Asp210Glu)

Gene: CACNB2 (calcium voltage-gated channel auxiliary subunit beta 2; plus strand). Cytogenetic location: 10p12.31.
Variant type: single nucleotide variant.
Coding change: c.630C>G on transcript NM_201596.3 (MANE Select); coding-DNA position 630, C replaced by G.
Protein change: p.Asp210Glu; replaces aspartic acid 210 with glutamic acid.
Molecular consequence: missense variant.
Genome position (GRCh38, 1-based): chr10:18,506,507, C>G. VCF-style: chr10-18506507-C-G. GRCh37 (hg19) VCF-style: chr10-18795436-C-G.
Other names: c.465C>G, p.Asp155Glu (NM_000724.4, NM_001330060.2); c.546C>G, p.Asp182Glu (NM_001167945.2, NM_201571.4, NM_201572.4); c.486C>G, p.Asp162Glu (NM_001410882.1, NM_201570.3); c.468C>G, p.Asp156Glu (NM_201590.3); c.630C>G, p.Asp210Glu (NM_201593.3, NM_201597.3); short protein forms D210E, D155E, D156E, D162E, D182E.
Identifiers: ClinVar variation 3994603 (VCV003994603.1).
Genomic context (GRCh38, chr10:18,506,507, plus strand): 5'-ATAGAAATTTTTGCTTTACTCCAGTAAATCAGGAGGAAATTCATCATCCAGTTTGGGTGA[C>G]ATAGTACCTAGTTCCAGAAAATCAACACCTCCATCATCTGGTAAGTAGGTGATAAATGCT-3'
Protein context (NP_963890.2, residues 200-220): SGGNSSSSLG[Asp210Glu]IVPSSRKSTP

ClinVar aggregate classification (germline): Uncertain significance (1 of 4 stars; one submission).

Conditions:
Cardiovascular phenotype. Identifiers: MedGen CN230736.

Submission:

Ambry Genetics
Classification: Uncertain significance for Cardiovascular phenotype. Last evaluated: 2025-05-27. Review status: criteria provided, single submitter. Criteria: Ambry Variant Classification Scheme 2023. Collection method: clinical testing. Allele origin: germline.
Comment: The p.D156E variant (also known as c.468C>G), located in coding exon 5 of the CACNB2 gene, results from a C to G substitution at nucleotide position 468. The aspartic acid at codon 156 is replaced by glutamic acid, an amino acid with highly similar properties. This amino acid position is conserved. In addition, this alteration is predicted to be tolerated by in silico analysis. Based on the available evidence, the clinical significance of this variant remains unclear.